The following is an entry in ClinVar:

ClinVar aggregate classification (germline): Pathogenic. Review status: no assertion criteria provided (0 of 4 stars). 2 submissions from 2 submitters: Pathogenic (2). Last evaluated 2020-12-16.

Conditions:
Progeroid mandibuloacral dysplasia.
Mandibuloacral dysplasia progeroid syndrome. Identifiers: Orphanet 647667, MedGen C5436867, MONDO:0030880, OMIM 619127.

Submissions (2):

OMIM
Classification: Pathogenic for MANDIBULOACRAL DYSPLASIA PROGEROID SYNDROME. Last evaluated: 2020-12-16. Review status: no assertion criteria provided. Collection method: literature only. Allele origin: germline.

Marseille Medical Genetics, U1251, Aix Marseille University, Inserm
Classification: Pathogenic for Progeroid mandibuloacral dysplasia. Last evaluated: 2017-02-01. Review status: no assertion criteria provided. Collection method: research. Allele origin: germline. Affected: yes and no. Observed: 3 variant alleles. Clinical features observed: Growth retardation, Bird-like facies, Mandibular recession,, Distal acro-osteolyses, Lipodystrophy, Altered skin pigmentation, Renal focal glomerulosclerosis, Extremely severe hypertension.
Comment: Disorder with autosomal recessive inheritance

Literature cited by the submitters: PubMed 32917887 (cited by OMIM).

NM_006554.5(MTX2):c.2T>A (p.Met1Lys)

Gene: MTX2 (metaxin 2; plus strand). Cytogenetic location: 2q31.1.
Variant type: single nucleotide variant.
Coding change: c.2T>A on transcript NM_006554.5 (MANE Select); coding-DNA position 2, T replaced by A.
Protein change: p.Met1Lys; changes the start codon (methionine 1).
Molecular consequence: missense variant, initiator codon variant. On other transcripts: 5 prime UTR variant (1).
Genome position (GRCh38, 1-based): chr2:176,269,631, T>A. VCF-style: chr2-176269631-T-A. GRCh37 (hg19) VCF-style: chr2-177134359-T-A.
Other names: c.-233T>A (NM_001006635.3); c.2T>A, p.Met1Lys (NM_001319097.2, NM_001319098.2); short protein forms M1K.
Identifiers: ClinVar variation 805937 (VCV000805937.5), dbSNP rs1392596720, ClinGen allele CA349365981.